The following is an entry in ClinVar:

ClinVar aggregate classification (germline): Uncertain significance (1 of 4 stars; one submission).

Conditions:
Inborn genetic diseases. Identifiers: MedGen C0950123, MeSH D030342.

Submission:

Ambry Genetics
Classification: Uncertain significance for Inborn genetic diseases. Last evaluated: 2025-07-22. Review status: criteria provided, single submitter. Criteria: Ambry Variant Classification Scheme 2023. Collection method: clinical testing. Allele origin: germline.
Comment: The p.C77W variant (also known as c.231C>G), located in coding exon 4 of the RECQL4 gene, results from a C to G substitution at nucleotide position 231. The cysteine at codon 77 is replaced by tryptophan, an amino acid with highly dissimilar properties. This amino acid position is conserved. In addition, the in silico prediction for this alteration is inconclusive. Based on the available evidence, the clinical significance of this variant remains unclear.

NM_004260.4(RECQL4):c.231C>G (p.Cys77Trp)

Gene: RECQL4 (RecQ like helicase 4; minus strand). Cytogenetic location: 8q24.3.
Variant type: single nucleotide variant.
Coding change: c.231C>G on transcript NM_004260.4 (MANE Select); coding-DNA position 231, C replaced by G.
Protein change: p.Cys77Trp; replaces cysteine 77 with tryptophan.
Molecular consequence: missense variant. On other transcripts: 5 prime UTR variant (17), non-coding transcript variant (3).
Genome position (GRCh38, 1-based): chr8:144,517,173, G>C on the plus strand (C>G on the coding strand, the complement: RECQL4 is on the minus strand). VCF-style: chr8-144517173-G-C. GRCh37 (hg19) VCF-style: chr8-145742557-G-C.
Other names: c.231C>G, p.Cys77Trp (NM_001413017.1, NM_001413018.1, NM_001413019.1 and 5 more transcripts); c.-490C>G (NM_001413021.1); c.-841C>G (NM_001413022.1, NM_001413023.1, NM_001413037.1 and 3 more transcripts); c.-738C>G (NM_001413024.1, NM_001413035.1); c.102C>G, p.Cys34Trp (NM_001413025.1); c.-903C>G (NM_001413027.1, NM_001413030.1, NM_001413031.1 and 1 more transcripts); c.-566C>G (NM_001413028.1); c.-800C>G (NM_001413032.1); and 2 more; short protein forms C34W, C77W.
Identifiers: ClinVar variation 4152392 (VCV004152392.1).
Genomic context (GRCh38, chr8:144,517,173, plus strand): 5'-GCTCCGCCCTGGCGTAGACTGTGGACTCTTGGTCGCAGCCCGATTCAGATGGGGCCCCCA[G>C]CAGCGGGGCTCTGGCGCCTGCAGGAGACAACAGGGGCACAGGCCAGAAAAGGCTGTTGTG-3'
Protein context (NP_004251.4, residues 67-87): AAAEEAPEPR[Cys77Trp]WGPHLNRAAT